The following is an entry in ClinVar:

ClinVar aggregate classification (germline): Pathogenic (1 of 4 stars; one submission).

Submission:

GeneDx
Classification: Pathogenic. Last evaluated: 2017-01-10. Review status: criteria provided, single submitter. Criteria: GeneDx Variant Classification (06012015). Collection method: clinical testing. Allele origin: germline. Affected: yes.
Comment: The Y167X variant in the COL1A1 gene has not been reported previously as a pathogenic variant nor as a benign variant, to our knowledge. This variant is predicted to cause loss of normal protein function either through protein truncation or nonsense-mediated mRNA decay. The Y167X variant was not observed in approximately 6500 individuals of European and African American ancestry in the NHLBI Exome Sequencing Project, indicating it is not a common benign variant in these populations.

NM_000088.4(COL1A1):c.501T>A (p.Tyr167Ter)

Gene: COL1A1 (collagen type I alpha 1 chain; minus strand). Cytogenetic location: 17q21.33.
Variant type: single nucleotide variant.
Coding change: c.501T>A on transcript NM_000088.4 (MANE Select); coding-DNA position 501, T replaced by A.
Protein change: p.Tyr167Ter; replaces tyrosine 167 with a stop codon.
Molecular consequence: nonsense.
Genome position (GRCh38, 1-based): chr17:50,198,475, A>T on the plus strand (T>A on the coding strand, the complement: COL1A1 is on the minus strand). VCF-style: chr17-50198475-A-T. GRCh37 (hg19) VCF-style: chr17-48275836-A-T.
Other names: short protein forms Y167*.
Identifiers: ClinVar variation 392158 (VCV000392158.2), dbSNP rs946705319, ClinGen allele CA16607368.